The following is an entry in ClinVar:

ClinVar aggregate classification (germline): Likely pathogenic (1 of 4 stars; one submission).

Conditions:
Retinitis pigmentosa (RP). Identifiers: Orphanet 791, MedGen C0035334, MeSH D012174, MONDO:0019200, OMIM 268000. Inheritance: Autosomal dominant, autosomal recessive and X linked inheritance.

Submission:

SN ONGC Dept of Genetics and Molecular biology Vision Research Foundation
Classification: Likely pathogenic for Retinitis pigmentosa. Last evaluated: 2024-11-30. Review status: criteria provided, single submitter. Criteria: ACMG Guidelines, 2015. Collection method: research. Allele origin: biparental. Inheritance: Autosomal recessive inheritance. Affected: yes. Observed: 1 homozygote.
Comment: The variant not identified from either ExAC nor 1000-Genome. In summary, the Cys707Phe variant meets our criteria to be classified as likely pathogenic

NM_201253.3(CRB1):c.2120G>T (p.Cys707Phe)

Gene: CRB1 (crumbs cell polarity complex component 1; plus strand). Cytogenetic location: 1q31.3.
Variant type: single nucleotide variant.
Coding change: c.2120G>T on transcript NM_201253.3 (MANE Select); coding-DNA position 2120, G replaced by T.
Protein change: p.Cys707Phe; replaces cysteine 707 with phenylalanine.
Molecular consequence: missense variant. On other transcripts: non-coding transcript variant (2).
Genome position (GRCh38, 1-based): chr1:197,421,948, G>T. VCF-style: chr1-197421948-G-T. GRCh37 (hg19) VCF-style: chr1-197391078-G-T.
Other names: c.1784G>T, p.Cys595Phe (NM_001193640.2); c.1913G>T, p.Cys638Phe (NM_001257965.2); c.2120G>T, p.Cys707Phe (NM_001257966.2); short protein forms C595F, C638F, C707F.
Identifiers: ClinVar variation 3385322 (VCV003385322.2).